The following is an entry in ClinVar:

NM_000179.3(MSH6):c.2602A>T (p.Met868Leu)

Gene: MSH6 (mutS homolog 6; plus strand). Cytogenetic location: 2p16.3.
Variant type: single nucleotide variant.
Coding change: c.2602A>T on transcript NM_000179.3 (MANE Select); coding-DNA position 2602, A replaced by T.
Protein change: p.Met868Leu; replaces methionine 868 with leucine.
Molecular consequence: missense variant.
Genome position (GRCh38, 1-based): chr2:47,800,585, A>T. VCF-style: chr2-47800585-A-T. GRCh37 (hg19) VCF-style: chr2-48027724-A-T.
Other names: c.2602A>T (NM_000179.2); c.2212A>T, p.Met738Leu (NM_001281492.2); c.1696A>T, p.Met566Leu (NM_001281493.2, NM_001281494.2); short protein forms M566L, M738L, M868L.
Identifiers: ClinVar variation 1024913 (VCV001024913.10), dbSNP rs1669486642, ClinGen allele CA346754934.

ClinVar aggregate classification (germline): Uncertain significance. Review status: criteria provided, multiple submitters, no conflicts (2 of 4 stars). 2 submissions from 2 submitters: Uncertain significance (2). Last evaluated 2026-07-02.

Conditions:
Hereditary cancer-predisposing syndrome. Also called: Tumor predisposition; Hereditary Cancer Syndrome; Hereditary neoplastic syndrome; Neoplastic Syndromes, Hereditary. Identifiers: Orphanet 140162, MedGen C0027672, MeSH D009386, MONDO:0015356.
Hereditary nonpolyposis colorectal neoplasms. Identifiers: MedGen C0009405, MeSH D003123.

Submissions (2):

Ambry Genetics
Classification: Uncertain significance for Hereditary cancer-predisposing syndrome. Last evaluated: 2026-07-02. Review status: criteria provided, single submitter. Criteria: Ambry Variant Classification Scheme 2023. Collection method: clinical testing. Allele origin: germline.
Comment: The p.M868L variant (also known as c.2602A>T), located in coding exon 4 of the MSH6 gene, results from an A to T substitution at nucleotide position 2602. The methionine at codon 868 is replaced by leucine, an amino acid with highly similar properties. This amino acid position is conserved. In addition, this alteration is predicted to be tolerated by in silico analysis. Based on the available evidence, the clinical significance of this variant remains unclear.

Labcorp Genetics (formerly Invitae), Labcorp
Classification: Uncertain significance for Hereditary nonpolyposis colorectal neoplasms. Last evaluated: 2024-01-09. Review status: criteria provided, single submitter. Criteria: Invitae Variant Classification Sherloc (09022015). Collection method: clinical testing. Allele origin: germline.
Comment: This sequence change replaces methionine, which is neutral and non-polar, with leucine, which is neutral and non-polar, at codon 868 of the MSH6 protein (p.Met868Leu). This variant is not present in population databases (gnomAD no frequency). This variant has not been reported in the literature in individuals affected with MSH6-related conditions. ClinVar contains an entry for this variant (Variation ID: 1024913). Advanced modeling of protein sequence and biophysical properties (such as structural, functional, and spatial information, amino acid conservation, physicochemical variation, residue mobility, and thermodynamic stability) performed at Invitae indicates that this missense variant is not expected to disrupt MSH6 protein function with a negative predictive value of 95%. In summary, the available evidence is currently insufficient to determine the role of this variant in disease. Therefore, it has been classified as a Variant of Uncertain Significance.